The following is an entry in ClinVar:

ClinVar aggregate classification (germline): Conflicting classifications of pathogenicity. Review status: criteria provided, conflicting classifications (1 of 4 stars). 6 submissions from 6 submitters: Uncertain significance (3); Benign (1); Likely benign (2). Last evaluated 2025-11-27.

Conditions:
Inborn genetic diseases. Identifiers: MedGen C0950123, MeSH D030342.
Intellectual developmental disorder, autosomal dominant 6, with or without seizures. Also called: Intellectual disability, autosomal dominant 6; GRIN2B-related developmental delay, intellectual disability and autism spectrum disorder. Identifiers: Orphanet 589547, MedGen C3151411, MONDO:0013509, OMIM 613970.
Developmental and epileptic encephalopathy, 27 (DEE27). Also called: Epileptic encephalopathy, early infantile, 27; GRIN2B-Related Neurodevelopmental Disorder. Identifiers: Orphanet 3451, MedGen C4015316, MONDO:0014505, OMIM 616139.

Allele frequency attached by ClinVar (database versions not stated): gnomAD 0.00006 and 0.00007; TOPMed 0.00006; gnomAD exomes 0.00007; ExAC 0.00009.
gnomAD v4.1: 222 of 1,613,956 alleles (0.014%); highest among the groups gnomAD compares: Non-Finnish European, 0.019%; no homozygotes.

Submissions (6):

Labcorp Genetics (formerly Invitae), Labcorp
Classification: Benign for Developmental and epileptic encephalopathy, 27; Intellectual developmental disorder, autosomal dominant 6, with or without seizures. Last evaluated: 2025-11-27. Review status: criteria provided, single submitter. Criteria: Invitae Variant Classification Sherloc (09022015). Collection method: clinical testing. Allele origin: germline.

Women's Health and Genetics/Laboratory Corporation of America, LabCorp
Classification: Uncertain significance. Last evaluated: 2025-10-23. Review status: criteria provided, single submitter. Criteria: LabCorp Variant Classification Summary - May 2015. Collection method: clinical testing. Allele origin: germline.
Comment: Variant summary: GRIN2B c.3047G>A (p.Arg1016Lys) results in a conservative amino acid change in the encoded protein sequence. Algorithms developed to predict the effect of missense changes on protein structure and function are either unavailable or do not agree on the potential impact of this missense change. The variant allele was found at a frequency of 7.2e-05 in 251448 control chromosomes. This frequency is not significantly higher than estimated for disease-causing variants in GRIN2B, allowing no conclusion about variant significance. To our knowledge, no occurrence of c.3047G>A in individuals affected with GRIN2B-related conditions and no experimental evidence demonstrating its impact on protein function have been reported. ClinVar contains an entry for this variant (Variation ID: 205715). Based on the evidence outlined above, the variant was classified as uncertain significance.

Revvity Omics, Revvity
Classification: Uncertain significance. Last evaluated: 2023-04-11. Review status: criteria provided, single submitter. Criteria: ACMG Guidelines, 2015. Collection method: clinical testing. Allele origin: germline.

Ambry Genetics
Classification: Likely benign for Inborn genetic diseases. Last evaluated: 2021-07-09. Review status: criteria provided, single submitter. Criteria: Ambry Variant Classification Scheme 2023. Collection method: clinical testing. Allele origin: germline.

GeneDx
Classification: Likely benign. Last evaluated: 2021-05-13. Review status: criteria provided, single submitter. Criteria: GeneDx Variant Classification Process June 2021. Collection method: clinical testing. Allele origin: germline. Affected: yes.

CeGaT Center for Human Genetics Tuebingen
Classification: Uncertain significance. Last evaluated: 2016-07-01. Review status: criteria provided, single submitter. Criteria: CeGaT Center For Human Genetics Tuebingen Variant Classification Criteria Version 2. Collection method: clinical testing. Allele origin: germline. Affected: yes. Observed: 1 variant allele.

NM_000834.5(GRIN2B):c.3047G>A (p.Arg1016Lys)

Gene: GRIN2B (glutamate ionotropic receptor NMDA type subunit 2B; minus strand). Cytogenetic location: 12p13.1.
Variant type: single nucleotide variant.
Coding change: c.3047G>A on transcript NM_000834.5 (MANE Select); coding-DNA position 3047, G replaced by A.
Protein change: p.Arg1016Lys; replaces arginine 1016 with lysine.
Molecular consequence: missense variant.
Genome position (GRCh38, 1-based): chr12:13,564,191, C>T on the plus strand (G>A on the coding strand, the complement: GRIN2B is on the minus strand). VCF-style: chr12-13564191-C-T. GRCh37 (hg19) VCF-style: chr12-13717125-C-T.
Other names: p.R1016K:AGG>AAG; c.3047G>A (NM_000834.4); short protein forms R1016K.
Identifiers: ClinVar variation 205715 (VCV000205715.60), dbSNP rs141109968, ClinGen allele CA315058.